The following is an entry in ClinVar:

NM_000256.3(MYBPC3):c.845G>A (p.Arg282Gln)

Gene: MYBPC3 (myosin binding protein C3; minus strand). Cytogenetic location: 11p11.2.
Variant type: single nucleotide variant.
Coding change: c.845G>A on transcript NM_000256.3 (MANE Select); coding-DNA position 845, G replaced by A.
Protein change: p.Arg282Gln; replaces arginine 282 with glutamine.
Molecular consequence: missense variant.
Genome position (GRCh38, 1-based): chr11:47,347,657, C>T on the plus strand (G>A on the coding strand, the complement: MYBPC3 is on the minus strand). VCF-style: chr11-47347657-C-T. GRCh37 (hg19) VCF-style: chr11-47369208-C-T.
Other names: c.845G>A, p.Arg282Gln (LRG_386t1); short protein forms R282Q.
Identifiers: ClinVar variation 524999 (VCV000524999.23), dbSNP rs761520688, ClinGen allele CA057070.

ClinVar aggregate classification (germline): Uncertain significance. Review status: criteria provided, multiple submitters, no conflicts (2 of 4 stars). 7 submissions from 7 submitters: Uncertain significance (7). Last evaluated 2026-07-13.

Conditions:
MYBPC3-related disorder. Also called: MYBPC3-related condition; MYBPC3-related disease; MYBPC3-related disorders.
Cardiomyopathy (CMYO). Also called: Cardiomyopathies. Identifiers: Orphanet 167848, MedGen C0878544, MONDO:0004994, HP:0001638. Inheritance: Various modes of inheritance.
Hypertrophic cardiomyopathy. Also called: HYPERTROPHIC MYOCARDIOPATHY. Identifiers: Orphanet 217569, MedGen C0007194, MeSH D002312, MONDO:0005045, HP:0001639.
Cardiovascular phenotype. Identifiers: MedGen CN230736.

Allele frequency attached by ClinVar (database versions not stated): gnomAD exomes 0.00001; ExAC 0.00003; TOPMed 0.00003.
gnomAD v4.1: 16 of 1,573,956 alleles (0.001%); highest among the groups gnomAD compares: Admixed American, 0.0056%; no homozygotes.

Submissions (7):

PreventionGenetics, part of Exact Sciences
Classification: Uncertain significance for MYBPC3-related condition. Last evaluated: 2026-07-13. Review status: criteria provided, single submitter. Criteria: ACMG Guidelines, 2015. Collection method: clinical testing. Allele origin: germline.
Comment: The MYBPC3 c.845G>A variant is predicted to result in the amino acid substitution p.Arg282Gln. This variant has been reported as a variant of uncertain significance in both control and affected individuals with hypertrophic cardiomyopathy (Table S8, McGurk et al. 2023. PubMed ID: 37652022). This variant is reported in 0.0041% of alleles in individuals of South Asian descent in gnomAD. At this time, the clinical significance of this variant is uncertain due to the absence of conclusive functional and genetic evidence.

Labcorp Genetics (formerly Invitae), Labcorp
Classification: Uncertain significance for Hypertrophic cardiomyopathy. Last evaluated: 2025-09-29. Review status: criteria provided, single submitter. Criteria: Invitae Variant Classification Sherloc (09022015). Collection method: clinical testing. Allele origin: germline.
Comment: This sequence change replaces arginine, which is basic and polar, with glutamine, which is neutral and polar, at codon 282 of the MYBPC3 protein (p.Arg282Gln). The frequency data for this variant in the population databases is considered unreliable, as metrics indicate poor data quality at this position in the gnomAD database. This missense change has been observed in individual(s) with hypertrophic cardiomyopathy (PMID: 37652022). ClinVar contains an entry for this variant (Variation ID: 524999). An algorithm developed to predict the effect of missense changes on protein structure and function (PolyPhen-2) suggests that this variant is likely to be tolerated. In summary, the available evidence is currently insufficient to determine the role of this variant in disease. Therefore, it has been classified as a Variant of Uncertain Significance.

All of Us Research Program, National Institutes of Health
Classification: Uncertain significance for Hypertrophic cardiomyopathy. Last evaluated: 2024-05-14. Review status: criteria provided, single submitter. Criteria: ACMG Guidelines, 2015. Collection method: clinical testing. Allele origin: germline. Inheritance: Autosomal dominant inheritance. Observed: 3 variant alleles, 3 heterozygotes.
Comment: This missense variant replaces arginine with glutamine at codon 282 of the MYBPC3 protein. Computational prediction suggests that this variant may not impact protein structure and function (internally defined REVEL score threshold <= 0.5, PMID: 27666373). To our knowledge, functional studies have not been reported for this variant. This variant has not been reported in individuals affected with MYBPC3-related disorders in the literature. This variant has been identified in 2/186332 chromosomes in the general population by the Genome Aggregation Database (gnomAD). The available evidence is insufficient to determine the role of this variant in disease conclusively. Therefore, this variant is classified as a Variant of Uncertain Significance.

This study involves interpretation of variants in research participants for the purpose of population health screening. Participant phenotype was not available at the time of variant classification. Additional details can be found in publication PMID: 35346344, PMCID: PMC8962531

Ambry Genetics
Classification: Uncertain significance for Cardiovascular phenotype. Last evaluated: 2024-01-08. Review status: criteria provided, single submitter. Criteria: Ambry Variant Classification Scheme 2023. Collection method: clinical testing. Allele origin: germline.
Comment: The p.R282Q variant (also known as c.845G>A), located in coding exon 8 of the MYBPC3 gene, results from a G to A substitution at nucleotide position 845. The arginine at codon 282 is replaced by glutamine, an amino acid with highly similar properties. This amino acid position is highly conserved in available vertebrate species. In addition, this alteration is predicted to be tolerated by in silico analysis. Since supporting evidence is limited at this time, the clinical significance of this alteration remains unclear.

Color Diagnostics, LLC DBA Color Health
Classification: Uncertain significance for Cardiomyopathy. Last evaluated: 2023-08-28. Review status: criteria provided, single submitter. Criteria: ACMG Guidelines, 2015. Collection method: clinical testing. Allele origin: germline.
Comment: This missense variant replaces arginine with glutamine at codon 282 of the MYBPC3 protein. Computational prediction suggests that this variant may not impact protein structure and function (internally defined REVEL score threshold <= 0.5, PMID: 27666373). To our knowledge, functional studies have not been reported for this variant. This variant has not been reported in individuals affected with MYBPC3-related disorders in the literature. This variant has been identified in 2/186332 chromosomes in the general population by the Genome Aggregation Database (gnomAD). The available evidence is insufficient to determine the role of this variant in disease conclusively. Therefore, this variant is classified as a Variant of Uncertain Significance.

GeneDx
Classification: Uncertain significance. Last evaluated: 2023-03-27. Review status: criteria provided, single submitter. Criteria: GeneDx Variant Classification Process June 2021. Collection method: clinical testing. Allele origin: germline. Affected: yes.
Comment: Has not been previously published as pathogenic or benign to our knowledge; Not observed at significant frequency in large population cohorts (gnomAD); In silico analysis supports that this missense variant does not alter protein structure/function

Stanford Center for Inherited Cardiovascular Disease, Stanford University
Classification: Uncertain significance. Last evaluated: 2018-02-06. Review status: criteria provided, single submitter. Criteria: ACMG Guidelines, 2015. Collection method: provider interpretation. Allele origin: germline.

Literature cited by the submitters: PubMed 37652022 (cited by Labcorp Genetics (formerly Invitae), Labcorp).